The following is an entry in ClinVar:

NM_003072.5(SMARCA4):c.672G>T (p.Ser224=)

Gene: SMARCA4 (SWI/SNF related BAF chromatin remodeling complex subunit ATPase 4; plus strand). Cytogenetic location: 19p13.2.
Variant type: single nucleotide variant.
Coding change: c.672G>T on transcript NM_003072.5 (MANE Select); coding-DNA position 672, G replaced by T.
Protein change: p.Ser224=; no amino-acid change (serine 224 retained).
Molecular consequence: synonymous variant. On other transcripts: non-coding transcript variant (1).
Genome position (GRCh38, 1-based): chr19:10,986,505, G>T. VCF-style: chr19-10986505-G-T. GRCh37 (hg19) VCF-style: chr19-11097181-G-T.
Other names: c.672G>T, p.Ser224= (NM_001128844.3, NM_001128845.2, NM_001128846.2 and 5 more transcripts); c.672G>T (NM_001128849.1).
Identifiers: ClinVar variation 1124153 (VCV001124153.10), dbSNP rs775288964, ClinGen allele CA505744059.
Genomic context (GRCh38, chr19:10,986,505, plus strand): 5'-GCAGGGCAAGCGGCCGATGCCCGGGATGCAGCAGCAGATGCCAACGCTACCTCCACCCTC[G>T]GTGTCCGCAACAGGACCCGGCCCTGGCCCTGGCCCTGGCCCCGGCCCGGGTCCCGGCCCG-3'
Protein context (NP_003063.2, residues 214-234): QQQMPTLPPP[Ser224=]VSATGPGPGP

ClinVar aggregate classification (germline): Conflicting classifications of pathogenicity. Review status: criteria provided, conflicting classifications (1 of 4 stars). 2 submissions from 2 submitters: Uncertain significance (1); Likely benign (1). Last evaluated 2026-01-15.

Conditions:
Hereditary cancer-predisposing syndrome. Also called: Hereditary neoplastic syndrome; Neoplastic Syndromes, Hereditary; Tumor predisposition; Hereditary Cancer Syndrome. Identifiers: Orphanet 140162, MedGen C0027672, MeSH D009386, MONDO:0015356.
Rhabdoid tumor predisposition syndrome 2 (RTPS2). Identifiers: Orphanet 231108, Orphanet 69077, MedGen C2750074, MONDO:0013224, OMIM 613325.

Submissions (2):

Labcorp Genetics (formerly Invitae), Labcorp
Classification: Likely benign for Rhabdoid tumor predisposition syndrome 2. Last evaluated: 2026-01-15. Review status: criteria provided, single submitter. Criteria: Invitae Variant Classification Sherloc (09022015). Collection method: clinical testing. Allele origin: germline.

Ambry Genetics
Classification: Uncertain significance for Hereditary cancer-predisposing syndrome. Last evaluated: 2025-06-23. Review status: criteria provided, single submitter. Criteria: Ambry Variant Classification Scheme 2023. Collection method: clinical testing. Allele origin: germline.
Comment: The c.672G>T variant (also known as p.S224S), located in coding exon 3 of the SMARCA4 gene, results from a G to T substitution at nucleotide position 672. This nucleotide substitution does not change the serine at codon 224. This nucleotide position is poorly conserved in available vertebrate species. In silico splice site analysis predicts that this alteration may result in the creation or strengthening of a novel splice acceptor site. Based on the available evidence, the clinical significance of this variant remains unclear.